The following is an entry in ClinVar:

NM_000260.4(MYO7A):c.1121C>A (p.Thr374Asn)

Gene: MYO7A (myosin VIIA; plus strand). Cytogenetic location: 11q13.5.
Variant type: single nucleotide variant.
Coding change: c.1121C>A on transcript NM_000260.4 (MANE Select); coding-DNA position 1121, C replaced by A.
Protein change: p.Thr374Asn; replaces threonine 374 with asparagine.
Molecular consequence: missense variant.
Genome position (GRCh38, 1-based): chr11:77,160,203, C>A. VCF-style: chr11-77160203-C-A. GRCh37 (hg19) VCF-style: chr11-76871249-C-A.
Other names: c.1121C>A, p.Thr374Asn (NM_001127180.2); c.1088C>A, p.Thr363Asn (NM_001369365.1); short protein forms T363N, T374N.
Identifiers: ClinVar variation 1309150 (VCV001309150.2), dbSNP rs1555067470, ClinGen allele CA381934381.

ClinVar aggregate classification (germline): Uncertain significance (1 of 4 stars; one submission).

gnomAD v4.1: 3 of 1,579,470 alleles (0.00019%); highest among the groups gnomAD compares: Middle Eastern, 0.017%; no homozygotes.

Submission:

GeneDx
Classification: Uncertain significance. Last evaluated: 2019-10-29. Review status: criteria provided, single submitter. Criteria: GeneDx Variant Classification Process June 2021. Collection method: clinical testing. Allele origin: germline. Affected: yes.
Comment: Not observed in large population cohorts (Lek et al., 2016); In silico analysis, which includes protein predictors and evolutionary conservation, supports a deleterious effect; Has not been previously published as pathogenic or benign to our knowledge